The following is an entry in ClinVar:

NM_001267550.2(TTN):c.77237C>A (p.Ser25746Ter)

Genes: TTN (titin; minus strand), TTN-AS1 (TTN antisense RNA 1; plus strand). Cytogenetic location: 2q31.2.
Variant type: single nucleotide variant.
Coding change: c.77237C>A on transcript NM_001267550.2 (MANE Select); coding-DNA position 77237, C replaced by A.
Protein change: p.Ser25746Ter; replaces serine 25746 with a stop codon.
Molecular consequence: nonsense.
Genome position (GRCh38, 1-based): chr2:178,568,895, G>T on the plus strand (C>A on the coding strand, the complement: TTN is on the minus strand). VCF-style: chr2-178568895-G-T. GRCh37 (hg19) VCF-style: chr2-179433622-G-T.
Other names: c.72314C>A, p.Ser24105Ter (NM_001256850.1); c.50042C>A, p.Ser16681Ter (NM_003319.4); c.69533C>A, p.Ser23178Ter (NM_133378.4); c.50417C>A, p.Ser16806Ter (NM_133432.3); c.50618C>A, p.Ser16873Ter (NM_133437.4); short protein forms S16873*, S23178*, S16681*, S24105*, S25746*, S16806*.
Identifiers: ClinVar variation 1744732 (VCV001744732.2), dbSNP rs2468382669, ClinGen allele CA349611718.

ClinVar aggregate classification (germline): Likely pathogenic (1 of 4 stars; one submission).

Conditions:
Cardiovascular phenotype. Identifiers: MedGen CN230736.

gnomAD v4.1: 1 of 1,613,184 alleles (0.000062%); no homozygotes.

Submission:

Ambry Genetics
Classification: Likely pathogenic for Cardiovascular phenotype. Last evaluated: 2020-05-06. Review status: criteria provided, single submitter. Criteria: Ambry Variant Classification Scheme 2023. Collection method: clinical testing. Allele origin: germline.
Comment: The p.S16681* variant (also known as c.50042C>A), located in coding exon 153 of the TTN gene, results from a C to A substitution at nucleotide position 50042. This changes the amino acid from a serine to a stop codon within coding exon 153. This exon is located in the A-band region of the N2-B isoform of the titin protein and is constitutively expressed in TTN transcripts (percent spliced in or PSI 100%). This alteration is expected to result in loss of function by premature protein truncation or nonsense-mediated mRNA decay. While truncating variants in TTN are present in 1-3% of the general population, truncating variants in the A-band are the most common cause of dilated cardiomyopathy (DCM) (Herman DS et al. N. Engl. J. Med., 2012 Feb;366:619-28; Roberts AM et al. Sci Transl Med, 2015 Jan;7:270ra6). TTN truncating variants encoded in constitutive exons (PSI >90%) have been found to be significantly associated with DCM regardless of their position in titin (Schafer S et al. Nat. Genet., 2017 01;49:46-53). As such, this alteration is classified as likely pathogenic.